The following is an entry in ClinVar:

ClinVar aggregate classification (germline): Uncertain significance (1 of 4 stars; one submission).

Conditions:
Vici syndrome (VICIS). Identifiers: Orphanet 1493, MedGen C1855772, MONDO:0009452, OMIM 242840.

Submission:

Labcorp Genetics (formerly Invitae), Labcorp
Classification: Uncertain significance for Vici syndrome. Last evaluated: 2022-02-24. Review status: criteria provided, single submitter. Criteria: Invitae Variant Classification Sherloc (09022015). Collection method: clinical testing. Allele origin: germline.
Comment: Algorithms developed to predict the effect of missense changes on protein structure and function are either unavailable or do not agree on the potential impact of this missense change (SIFT: "Deleterious"; PolyPhen-2: "Benign"; Align-GVGD: "Class C0"). In summary, the available evidence is currently insufficient to determine the role of this variant in disease. Therefore, it has been classified as a Variant of Uncertain Significance. This variant has not been reported in the literature in individuals affected with EPG5-related conditions. This variant is not present in population databases (gnomAD no frequency). This sequence change replaces isoleucine, which is neutral and non-polar, with methionine, which is neutral and non-polar, at codon 1185 of the EPG5 protein (p.Ile1185Met).

NM_020964.3(EPG5):c.3555A>G (p.Ile1185Met)

Gene: EPG5 (ectopic P-granules 5 autophagy tethering factor; minus strand). Cytogenetic location: 18q21.1.
Variant type: single nucleotide variant.
Coding change: c.3555A>G on transcript NM_020964.3 (MANE Select); coding-DNA position 3555, A replaced by G.
Protein change: p.Ile1185Met; replaces isoleucine 1185 with methionine.
Molecular consequence: missense variant.
Genome position (GRCh38, 1-based): chr18:45,916,036, T>C on the plus strand (A>G on the coding strand, the complement: EPG5 is on the minus strand). VCF-style: chr18-45916036-T-C. GRCh37 (hg19) VCF-style: chr18-43496001-T-C.
Other names: c.3555A>G, p.Ile1185Met (NM_001410858.1, NM_001410859.1); short protein forms I1185M.
Identifiers: ClinVar variation 2102939 (VCV002102939.4), dbSNP rs2050022757, ClinGen allele CA402342108.